The following is an entry in ClinVar:

NM_004656.4(BAP1):c.1565C>G (p.Pro522Arg)

Gene: BAP1 (BRCA1 associated deubiquitinase 1; minus strand). Cytogenetic location: 3p21.1.
Variant type: single nucleotide variant.
Coding change: c.1565C>G on transcript NM_004656.4 (MANE Select); coding-DNA position 1565, C replaced by G.
Protein change: p.Pro522Arg; replaces proline 522 with arginine.
Molecular consequence: missense variant.
Genome position (GRCh38, 1-based): chr3:52,403,580, G>C on the plus strand (C>G on the coding strand, the complement: BAP1 is on the minus strand). VCF-style: chr3-52403580-G-C. GRCh37 (hg19) VCF-style: chr3-52437596-G-C.
Other names: c.1565C>G (NM_004656.2); short protein forms P522R.
Identifiers: ClinVar variation 957647 (VCV000957647.8), dbSNP rs1705043189, ClinGen allele CA353100653.

ClinVar aggregate classification (germline): Uncertain significance. Review status: criteria provided, multiple submitters, no conflicts (2 of 4 stars). 2 submissions from 2 submitters: Uncertain significance (2). Last evaluated 2026-07-06.

Conditions:
Hereditary cancer-predisposing syndrome. Also called: Neoplastic Syndromes, Hereditary; Hereditary Cancer Syndrome; Tumor predisposition; Hereditary neoplastic syndrome. Identifiers: Orphanet 140162, MedGen C0027672, MeSH D009386, MONDO:0015356.
BAP1-related tumor predisposition syndrome (TPDS1). Also called: BAP1 tumor predisposition syndrome; COMMON Syndrome; TUMOR PREDISPOSITION SYNDROME 1; Tumor susceptibility linked to germline BAP1 mutations. Identifiers: Orphanet 289539, MedGen C3280492, MONDO:0013692, OMIM 614327.

Submissions (2):

Ambry Genetics
Classification: Uncertain significance for Hereditary cancer-predisposing syndrome. Last evaluated: 2026-07-06. Review status: criteria provided, single submitter. Criteria: Ambry Variant Classification Scheme 2023. Collection method: clinical testing. Allele origin: germline.
Comment: The p.P522R variant (also known as c.1565C>G), located in coding exon 13 of the BAP1 gene, results from a C to G substitution at nucleotide position 1565. The proline at codon 522 is replaced by arginine, an amino acid with dissimilar properties. This amino acid position is conserved. In addition, this alteration is predicted to be deleterious by in silico analysis. Based on the available evidence, the clinical significance of this variant remains unclear.

Labcorp Genetics (formerly Invitae), Labcorp
Classification: Uncertain significance for BAP1-related tumor predisposition syndrome. Last evaluated: 2025-05-21. Review status: criteria provided, single submitter. Criteria: Invitae Variant Classification Sherloc (09022015). Collection method: clinical testing. Allele origin: germline.
Comment: This sequence change replaces proline, which is neutral and non-polar, with arginine, which is basic and polar, at codon 522 of the BAP1 protein (p.Pro522Arg). This variant is not present in population databases (gnomAD no frequency). This variant has not been reported in the literature in individuals affected with BAP1-related conditions. ClinVar contains an entry for this variant (Variation ID: 957647). Invitae Evidence Modeling of protein sequence and biophysical properties (such as structural, functional, and spatial information, amino acid conservation, physicochemical variation, residue mobility, and thermodynamic stability) indicates that this missense variant is not expected to disrupt BAP1 protein function with a negative predictive value of 80%. In summary, the available evidence is currently insufficient to determine the role of this variant in disease. Therefore, it has been classified as a Variant of Uncertain Significance.